The following is an entry in ClinVar:

NM_001002295.2(GATA3):c.574G>A (p.Asp192Asn)

Gene: GATA3 (GATA binding protein 3; plus strand). Cytogenetic location: 10p14.
Variant type: single nucleotide variant.
Coding change: c.574G>A on transcript NM_001002295.2 (MANE Select); coding-DNA position 574, G replaced by A.
Protein change: p.Asp192Asn; replaces aspartic acid 192 with asparagine.
Molecular consequence: missense variant.
Genome position (GRCh38, 1-based): chr10:8,058,637, G>A. VCF-style: chr10-8058637-G-A. GRCh37 (hg19) VCF-style: chr10-8100600-G-A.
Other names: c.574G>A, p.Asp192Asn (NM_001441115.1, NM_001441116.1, NM_001441117.1 and 18 more transcripts); short protein forms D192N.
Identifiers: ClinVar variation 4979657 (VCV004979657.1).
Genomic context (GRCh38, chr10:8,058,637, plus strand): 5'-TCGGCCGGCTCGGCCCGGCAGGACGAGAAAGAGTGCCTCAAGTACCAGGTGCCCCTGCCC[G>A]ACAGCATGAAGCTGGAGTCGTCCCACTCCCGTGGCAGCATGACCGCCCTGGGTGGAGCCT-3'
Protein context (NP_001002295.1, residues 182-202): ECLKYQVPLP[Asp192Asn]SMKLESSHSR

ClinVar aggregate classification (germline): Uncertain significance (1 of 4 stars; one submission).

Conditions:
GATA3-related disorder. Also called: GATA3-related condition.

Submission:

PreventionGenetics, part of Exact Sciences
Classification: Uncertain significance for GATA3-related condition. Last evaluated: 2026-04-12. Review status: criteria provided, single submitter. Criteria: ACMG Guidelines, 2015. Collection method: clinical testing. Allele origin: germline.
Comment: The GATA3 c.574G>A variant is predicted to result in the amino acid substitution p.Asp192Asn. To our knowledge, this variant has not been reported in the literature. This variant is reported in 0.0097% of alleles in individuals of European (Non-Finnish) descent in gnomAD. At this time, the clinical significance of this variant is uncertain due to the absence of conclusive functional and genetic evidence.